The following is an entry in ClinVar:

NM_000135.4(FANCA):c.3454G>A (p.Val1152Ile)

Gene: FANCA (FA complementation group A; minus strand). Cytogenetic location: 16q24.3.
Variant type: single nucleotide variant.
Coding change: c.3454G>A on transcript NM_000135.4 (MANE Select); coding-DNA position 3454, G replaced by A.
Protein change: p.Val1152Ile; replaces valine 1152 with isoleucine.
Molecular consequence: missense variant.
Genome position (GRCh38, 1-based): chr16:89,746,643, C>T on the plus strand (G>A on the coding strand, the complement: FANCA is on the minus strand). VCF-style: chr16-89746643-C-T. GRCh37 (hg19) VCF-style: chr16-89813051-C-T.
Other names: c.3454G>A, p.Val1152Ile (NM_001286167.3); short protein forms V1152I.
Identifiers: ClinVar variation 4022361 (VCV004022361.1).

ClinVar aggregate classification (germline): Uncertain significance (1 of 4 stars; one submission).

Conditions:
Inborn genetic diseases. Identifiers: MedGen C0950123, MeSH D030342.

Submission:

Ambry Genetics
Classification: Uncertain significance for Inborn genetic diseases. Last evaluated: 2025-06-08. Review status: criteria provided, single submitter. Criteria: Ambry Variant Classification Scheme 2023. Collection method: clinical testing. Allele origin: germline.
Comment: The p.V1152I variant (also known as c.3454G>A), located in coding exon 35 of the FANCA gene, results from a G to A substitution at nucleotide position 3454. The valine at codon 1152 is replaced by isoleucine, an amino acid with highly similar properties. This amino acid position is conserved. In addition, this alteration is predicted to be tolerated by in silico analysis. Based on the available evidence, the clinical significance of this variant remains unclear.